The following is an entry in ClinVar:

ClinVar aggregate classification (germline): Benign/Likely benign. Review status: criteria provided, multiple submitters, no conflicts (2 of 4 stars). 5 submissions from 4 submitters: Benign (4); Likely benign (1). Last evaluated 2026-01-15.

Conditions:
Autosomal recessive spinocerebellar ataxia 14. Also called: CEREBELLAR ATAXIA, AUTOSOMAL RECESSIVE, SPECTRIN-ASSOCIATED, 1. Identifiers: Orphanet 352403, MedGen C4706415, MONDO:0014159, OMIM 615386.
Spinocerebellar ataxia type 5 (SCA5). Identifiers: Orphanet 98766, MedGen C0752123, MONDO:0010848, OMIM 600224.

Allele frequency attached by ClinVar (database versions not stated): gnomAD exomes 0.00104 and 0.00294; ExAC 0.00355; gnomAD 0.01092 and 0.01156; TOPMed 0.01207; ESP Exome Variant Server 0.01255; 1000 Genomes Project 0.01478; 1000 Genomes Project 30x 0.01562.
gnomAD v4.1: 3,285 of 1,614,070 alleles (0.2%); highest among the groups gnomAD compares: African/African-American, 3.7%; 72 homozygotes.

Submissions (5):

Labcorp Genetics (formerly Invitae), Labcorp
Classification: Benign. Last evaluated: 2026-01-15. Review status: criteria provided, single submitter. Criteria: Invitae Variant Classification Sherloc (09022015). Collection method: clinical testing. Allele origin: germline.

GeneDx
Classification: Likely benign. Last evaluated: 2022-05-06. Review status: criteria provided, single submitter. Criteria: GeneDx Variant Classification Process June 2021. Collection method: clinical testing. Allele origin: germline. Affected: yes.
Comment: See Variant Classification Assertion Criteria.

Illumina Laboratory Services, Illumina
Classification: Benign for Spinocerebellar ataxia type 5. Last evaluated: 2018-01-13. Review status: criteria provided, single submitter. Criteria: ICSL Variant Classification Criteria 13 December 2019. Collection method: clinical testing. Allele origin: germline.
Comment: This variant was observed in the ICSL laboratory as part of a predisposition screen in an ostensibly healthy population. It had not been previously curated by ICSL or reported in the Human Gene Mutation Database (HGMD: prior to June 1st, 2018), and was therefore a candidate for classification through an automated scoring system. Utilizing variant allele frequency, disease prevalence and penetrance estimates, and inheritance mode, an automated score was calculated to assess if this variant is too frequent to cause the disease. Based on the score and internal cut-off values, a variant classified as benign is not then subjected to further curation. The score for this variant resulted in a classification of benign for this disease.

Illumina Laboratory Services, Illumina
Classification: Benign for Autosomal recessive spinocerebellar ataxia 14. Last evaluated: 2018-01-13. Review status: criteria provided, single submitter. Criteria: ICSL Variant Classification Criteria 13 December 2019. Collection method: clinical testing. Allele origin: germline.
Comment: the same text as in the submission from Illumina Laboratory Services, Illumina above.

Athena Diagnostics
Classification: Benign. Last evaluated: 2017-08-11. Review status: criteria provided, single submitter. Criteria: Athena Diagnostics Criteria. Collection method: clinical testing. Allele origin: germline.

NM_006946.4(SPTBN2):c.885+5T>C

Gene: SPTBN2 (spectrin beta, non-erythrocytic 2; minus strand). Cytogenetic location: 11q13.2.
Variant type: single nucleotide variant.
Coding change: c.885+5T>C on transcript NM_006946.4 (MANE Select); 5 bases into the intron after coding-DNA position 885, T replaced by C.
Molecular consequence: intron variant.
Genome position (GRCh38, 1-based): chr11:66,710,912, A>G on the plus strand (T>C on the coding strand, the complement: SPTBN2 is on the minus strand). VCF-style: chr11-66710912-A-G. GRCh37 (hg19) VCF-style: chr11-66478383-A-G.
Identifiers: ClinVar variation 305595 (VCV000305595.17), dbSNP rs114331192, ClinGen allele CA6129545.